The following is an entry in ClinVar:

NM_001458.5(FLNC):c.7681G>T (p.Val2561Phe)

Genes: FLNC (filamin C; plus strand), FLNC-AS1 (FLNC antisense RNA 1; minus strand). Cytogenetic location: 7q32.1.
Variant type: single nucleotide variant.
Coding change: c.7681G>T on transcript NM_001458.5 (MANE Select); coding-DNA position 7681, G replaced by T.
Protein change: p.Val2561Phe; replaces valine 2561 with phenylalanine.
Molecular consequence: missense variant.
Genome position (GRCh38, 1-based): chr7:128,857,237, G>T. VCF-style: chr7-128857237-G-T. GRCh37 (hg19) VCF-style: chr7-128497291-G-T.
Other names: c.7582G>T, p.Val2528Phe (NM_001127487.2); short protein forms V2561F, V2528F.
Identifiers: ClinVar variation 4025625 (VCV004025625.1).

ClinVar aggregate classification (germline): Uncertain significance (1 of 4 stars; one submission).

Conditions:
Cardiovascular phenotype. Identifiers: MedGen CN230736.

Submission:

Ambry Genetics
Classification: Uncertain significance for Cardiovascular phenotype. Last evaluated: 2025-05-14. Review status: criteria provided, single submitter. Criteria: Ambry Variant Classification Scheme 2023. Collection method: clinical testing. Allele origin: germline.
Comment: The p.V2561F variant (also known as c.7681G>T), located in coding exon 46 of the FLNC gene, results from a G to T substitution at nucleotide position 7681. The valine at codon 2561 is replaced by phenylalanine, an amino acid with highly similar properties. This amino acid position is conserved. In addition, this alteration is predicted to be deleterious by in silico analysis. Based on the available evidence, the clinical significance of this variant remains unclear.